The following is an entry in ClinVar:

NM_001376.5(DYNC1H1):c.13710CAA[3] (p.Asn4573del)

Gene: DYNC1H1 (dynein cytoplasmic 1 heavy chain 1; plus strand). Cytogenetic location: 14q32.31.
Variant type: Microsatellite.
Coding change: c.13710CAA[3] on transcript NM_001376.5 (MANE Select); three copies in a row of the 3-base unit CAA starting at c.13710; the reference has four copies in a row; one copy, 3 bases deleted.
Protein change: p.Asn4573del; deletes asparagine 4573.
Molecular consequence: inframe deletion.
Genome position (GRCh38, 1-based): chr14:102,050,105-102,050,107, CAA deleted; deleting any 3 consecutive bases within chr14:102,050,096-102,050,107 gives the same sequence; the position shown is the placement nearest the transcript's 3' end. VCF-style (leftmost placement, unchanged base first): chr14-102050095-GCAA-G. GRCh37 (hg19) VCF-style: chr14-102516432-GCAA-G.
Other names: short protein forms N4573del.
Identifiers: ClinVar variation 539772 (VCV000539772.10), dbSNP rs1013209915, ClinGen allele CA266989885.

ClinVar aggregate classification (germline): Uncertain significance. Review status: criteria provided, multiple submitters, no conflicts (2 of 4 stars). 2 submissions from 2 submitters: Uncertain significance (2). Last evaluated 2024-08-05.

Conditions:
Charcot-Marie-Tooth disease axonal type 2O. Also called: CHARCOT-MARIE-TOOTH NEUROPATHY, AXONAL, TYPE 2O; CHARCOT-MARIE-TOOTH DISEASE, AXONAL, AUTOSOMAL DOMINANT, TYPE 2O; Charcot-Marie-Tooth Neuropathy Type 2O; Charcot-Marie-Tooth disease, axonal, type 20. Identifiers: Orphanet 284232, MedGen C3280220, MONDO:0013644, OMIM 614228.
Inborn genetic diseases. Identifiers: MedGen C0950123, MeSH D030342.

Submissions (2):

Labcorp Genetics (formerly Invitae), Labcorp
Classification: Uncertain significance for Charcot-Marie-Tooth disease axonal type 2O. Last evaluated: 2024-08-05. Review status: criteria provided, single submitter. Criteria: Invitae Variant Classification Sherloc (09022015). Collection method: clinical testing. Allele origin: germline.
Comment: This variant, c.13719_13721del, results in the deletion of 1 amino acid(s) of the DYNC1H1 protein (p.Asn4573del), but otherwise preserves the integrity of the reading frame. This variant is not present in population databases (gnomAD no frequency). This variant has been observed in individual(s) with clinical features of DYNC1H1-related conditions (PMID: 31069529; Invitae). ClinVar contains an entry for this variant (Variation ID: 539772). Experimental studies and prediction algorithms are not available or were not evaluated, and the functional significance of this variant is currently unknown. In summary, the available evidence is currently insufficient to determine the role of this variant in disease. Therefore, it has been classified as a Variant of Uncertain Significance.

Ambry Genetics
Classification: Uncertain significance for Inborn genetic diseases. Last evaluated: 2019-11-19. Review status: criteria provided, single submitter. Criteria: Ambry Variant Classification Scheme 2023. Collection method: clinical testing. Allele origin: germline.
Comment: The c.13719_13721delCAA variant (also known as p.N4573del) is located in coding exon 77 of the DYNC1H1 gene. This variant results from an in-frame CAA deletion at nucleotide positions 13719 to 13721. This results in the in-frame deletion of an asparagine at codon 4573. This amino acid position is highly conserved in available vertebrate species. In addition, this alteration is predicted to be deleterious by in silico analysis (Choi Y et al. PLoS ONE. 2012; 7(10):e46688). Since supporting evidence is limited at this time, the clinical significance of this alteration remains unclear.

Literature cited by the submitters: PubMed 31069529 (cited by Labcorp Genetics (formerly Invitae), Labcorp).